The following is an entry in ClinVar:

NM_004370.6(COL12A1):c.4337C>A (p.Pro1446His)

Gene: COL12A1 (collagen type XII alpha 1 chain; minus strand). Cytogenetic location: 6q13.
Variant type: single nucleotide variant.
Coding change: c.4337C>A on transcript NM_004370.6 (MANE Select); coding-DNA position 4337, C replaced by A.
Protein change: p.Pro1446His; replaces proline 1446 with histidine.
Molecular consequence: missense variant.
Genome position (GRCh38, 1-based): chr6:75,147,755, G>T on the plus strand (C>A on the coding strand, the complement: COL12A1 is on the minus strand). VCF-style: chr6-75147755-G-T. GRCh37 (hg19) VCF-style: chr6-75857471-G-T.
Other names: c.845C>A, p.Pro282His (NM_080645.3); short protein forms P1446H, P282H.
Identifiers: ClinVar variation 2574956 (VCV002574956.5), dbSNP rs967726379, ClinGen allele CA141002048.

ClinVar aggregate classification (germline): Uncertain significance. Review status: criteria provided, multiple submitters, no conflicts (2 of 4 stars). 3 submissions from 3 submitters: Uncertain significance (3). Last evaluated 2025-07-31.

Conditions:
Ullrich congenital muscular dystrophy 2 (UCMD2). Identifiers: Orphanet 75840, MedGen C4225314, MONDO:0014654, OMIM 616470.
Bethlem myopathy 2 (BTHLM2). Identifiers: Orphanet 536516, Orphanet 610, MedGen C4225313, MONDO:0034022, OMIM 616471.
Inborn genetic diseases. Identifiers: MedGen C0950123, MeSH D030342.

Allele frequency attached by ClinVar (database versions not stated): gnomAD 0.00001; TOPMed 0.00003.
gnomAD v4.1: 2 of 1,613,330 alleles (0.00012%); highest among the groups gnomAD compares: Admixed American, 0.0017%; no homozygotes.

Submissions (3):

Ambry Genetics
Classification: Uncertain significance for Inborn genetic diseases. Last evaluated: 2025-07-31. Review status: criteria provided, single submitter. Criteria: Ambry Variant Classification Scheme 2023. Collection method: clinical testing. Allele origin: germline.

Labcorp Genetics (formerly Invitae), Labcorp
Classification: Uncertain significance for Bethlem myopathy 2; Ullrich congenital muscular dystrophy 2. Last evaluated: 2025-03-18. Review status: criteria provided, single submitter. Criteria: Invitae Variant Classification Sherloc (09022015). Collection method: clinical testing. Allele origin: germline.
Comment: This sequence change replaces proline, which is neutral and non-polar, with histidine, which is basic and polar, at codon 1446 of the COL12A1 protein (p.Pro1446His). This variant is not present in population databases (gnomAD no frequency). This variant has not been reported in the literature in individuals affected with COL12A1-related conditions. ClinVar contains an entry for this variant (Variation ID: 2574956). Invitae Evidence Modeling of protein sequence and biophysical properties (such as structural, functional, and spatial information, amino acid conservation, physicochemical variation, residue mobility, and thermodynamic stability) indicates that this missense variant is not expected to disrupt COL12A1 protein function with a negative predictive value of 80%. In summary, the available evidence is currently insufficient to determine the role of this variant in disease. Therefore, it has been classified as a Variant of Uncertain Significance.

GeneDx
Classification: Uncertain significance. Last evaluated: 2023-02-06. Review status: criteria provided, single submitter. Criteria: GeneDx Variant Classification Process June 2021. Collection method: clinical testing. Allele origin: germline. Affected: yes.
Comment: Not observed at significant frequency in large population cohorts (gnomAD); In silico analysis supports that this missense variant has a deleterious effect on protein structure/function; Has not been previously published as pathogenic or benign to our knowledge